The following is an entry in ClinVar:

NM_033409.4(SLC52A3):c.1018C>T (p.Leu340Phe)

Gene: SLC52A3 (solute carrier family 52 member 3; minus strand). Cytogenetic location: 20p13.
Variant type: single nucleotide variant.
Coding change: c.1018C>T on transcript NM_033409.4 (MANE Select); coding-DNA position 1018, C replaced by T.
Protein change: p.Leu340Phe; replaces leucine 340 with phenylalanine.
Molecular consequence: missense variant.
Genome position (GRCh38, 1-based): chr20:763,553, G>A on the plus strand (C>T on the coding strand, the complement: SLC52A3 is on the minus strand). VCF-style: chr20-763553-G-A. GRCh37 (hg19) VCF-style: chr20-744197-G-A.
Other names: c.1018C>T, p.Leu340Phe (NM_001370085.1, NM_001370086.1); short protein forms L340F.
Identifiers: ClinVar variation 4709784 (VCV004709784.1).
Genomic context (GRCh38, chr20:763,553, plus strand): 5'-CACACCTGTTAGGCAGGAACATGGAGACCAACGAGGCAAGAGGGTTGGCCACAATGCTGA[G>A]GGTGGCAGCCAGGTGGTAGGCAACTGGCCCATAGGACAGGCAGGAGTAGGTCTGCACAGA-3'
Protein context (NP_212134.3, residues 330-350): GPVAYHLAAT[Leu340Phe]SIVANPLASL

ClinVar aggregate classification (germline): Uncertain significance (1 of 4 stars; one submission).

Conditions:
Brown-Vialetto-van Laere syndrome 1. Also called: BULBAR PALSY, PROGRESSIVE, WITH SENSORINEURAL DEAFNESS; PONTOBULBAR PALSY WITH DEAFNESS; BROWN-VIALETTO-VAN LAERE SYNDROME 1, MILD. Identifiers: Orphanet 572550, Orphanet 97229, MedGen C0796274, MONDO:0024537, OMIM 211530.

gnomAD v4.1: 3 of 1,614,180 alleles (0.00019%); highest among the groups gnomAD compares: Non-Finnish European, 0.00025%; no homozygotes.

Submission:

Labcorp Genetics (formerly Invitae), Labcorp
Classification: Uncertain significance for Brown-Vialetto-van Laere syndrome 1. Last evaluated: 2025-05-13. Review status: criteria provided, single submitter. Criteria: Invitae Variant Classification Sherloc (09022015). Collection method: clinical testing. Allele origin: germline.
Comment: This sequence change replaces leucine, which is neutral and non-polar, with phenylalanine, which is neutral and non-polar, at codon 340 of the SLC52A3 protein (p.Leu340Phe). This variant is not present in population databases (gnomAD no frequency). This variant has not been reported in the literature in individuals affected with SLC52A3-related conditions. Invitae Evidence Modeling of protein sequence and biophysical properties (such as structural, functional, and spatial information, amino acid conservation, physicochemical variation, residue mobility, and thermodynamic stability) has been performed for this missense variant. However, the output from this modeling did not meet the statistical confidence thresholds required to predict the impact of this variant on SLC52A3 protein function. In summary, the available evidence is currently insufficient to determine the role of this variant in disease. Therefore, it has been classified as a Variant of Uncertain Significance.